The following is an entry in ClinVar:

NM_000702.4(ATP1A2):c.600C>T (p.Asp200=)

Genes: ATP1A2 (ATPase Na+/K+ transporting subunit alpha 2; plus strand), LOC126805890 (CDK7 strongly-dependent group 2 enhancer GRCh37_chr1:160093987-160095186; plus strand). Cytogenetic location: 1q23.2.
Variant type: single nucleotide variant.
Coding change: c.600C>T on transcript NM_000702.4 (MANE Select); coding-DNA position 600, C replaced by T.
Protein change: p.Asp200=; no amino-acid change (aspartic acid 200 retained).
Molecular consequence: synonymous variant.
Genome position (GRCh38, 1-based): chr1:160,124,400, C>T. VCF-style: chr1-160124400-C-T. GRCh37 (hg19) VCF-style: chr1-160094190-C-T.
Identifiers: ClinVar variation 413804 (VCV000413804.14), dbSNP rs1060504129, ClinGen allele CA16609899.
Genomic context (GRCh38, chr1:160,124,400, plus strand): 5'-AGAGGAAGTGGTGGTGGGAGACCTGGTGGAGGTGAAGGGTGGAGACCGCGTCCCTGCTGA[C>T]CTCCGGATCATCTCTTCTCATGGCTGTAAGGTGAGGAGGTCATACCAGAGCAAGCAGTTG-3'
Protein context (NP_000693.1, residues 190-210): EVKGGDRVPA[Asp200=]LRIISSHGCK

ClinVar aggregate classification (germline): Likely benign. Review status: criteria provided, single submitter (1 of 4 stars). 2 submissions from 2 submitters: Likely benign (1). 1 of the submissions does not count toward it. Last evaluated 2025-08-31.

Conditions:
ATP1A2-related disorder. Also called: ATP1A2-related condition; ATP1A2-RELATED DISORDERS.
Familial hemiplegic migraine. Identifiers: MedGen C0338484, MONDO:0000700.

Allele frequency attached by ClinVar (database versions not stated): gnomAD below 0.00001 and 0.00001; gnomAD exomes 0.00001.
gnomAD v4.1: 10 of 1,611,580 alleles (0.00062%); highest among the groups gnomAD compares: South Asian, 0.0077%; no homozygotes.

Submissions (2):

Labcorp Genetics (formerly Invitae), Labcorp
Classification: Likely benign for Familial hemiplegic migraine. Last evaluated: 2025-08-31. Review status: criteria provided, single submitter. Criteria: Invitae Variant Classification Sherloc (09022015). Collection method: clinical testing. Allele origin: germline.

PreventionGenetics, part of Exact Sciences
Classification: Likely benign for ATP1A2-related condition. Last evaluated: 2021-07-12. Review status: no assertion criteria provided. Collection method: clinical testing. Allele origin: germline. Not counted in ClinVar's aggregate classification.
Comment: This variant is classified as likely benign based on ACMG/AMP sequence variant interpretation guidelines (Richards et al. 2015 PMID: 25741868, with internal and published modifications).